The following is an entry in ClinVar:

NM_001365536.1(SCN9A):c.371T>C (p.Val124Ala)

Gene: SCN9A (sodium voltage-gated channel alpha subunit 9; minus strand). Cytogenetic location: 2q24.3.
Variant type: single nucleotide variant.
Coding change: c.371T>C on transcript NM_001365536.1 (MANE Select); coding-DNA position 371, T replaced by C.
Protein change: p.Val124Ala; replaces valine 124 with alanine.
Molecular consequence: missense variant.
Genome position (GRCh38, 1-based): chr2:166,306,962, A>G on the plus strand (T>C on the coding strand, the complement: SCN9A is on the minus strand). VCF-style: chr2-166306962-A-G. GRCh37 (hg19) VCF-style: chr2-167163472-A-G.
Other names: c.371T>C, p.Val124Ala (NM_002977.4); short protein forms V124A.
Identifiers: ClinVar variation 862659 (VCV000862659.10), dbSNP rs202241586, ClinGen allele CA1944818.

ClinVar aggregate classification (germline): Uncertain significance (1 of 4 stars; one submission).

Conditions:
Neuropathy, hereditary sensory and autonomic, type 2A (HSAN2A). Also called: HSAN IIA; ACROOSTEOLYSIS, GIACCAI TYPE; ACROOSTEOLYSIS, NEUROGENIC; NEUROPATHY, HEREDITARY SENSORY, TYPE IIA; NEUROPATHY, PROGRESSIVE SENSORY, OF CHILDREN; WNK1-Related HSAN2 (HSAN2A). Identifiers: Orphanet 970, MedGen C2752089, MONDO:0024309, OMIM 201300.
Generalized epilepsy with febrile seizures plus, type 7 (GEFSP7). Also called: GEFS+, TYPE 7. Identifiers: Orphanet 36387, MedGen C2751778, MONDO:0013470, OMIM 613863.

Allele frequency attached by ClinVar (database versions not stated): gnomAD 0.00001; gnomAD exomes 0.00001; ExAC 0.00003.
gnomAD v4.1: 12 of 1,541,592 alleles (0.00078%); highest among the groups gnomAD compares: South Asian, 0.0011%; no homozygotes.

Submission:

Labcorp Genetics (formerly Invitae), Labcorp
Classification: Uncertain significance for Neuropathy, hereditary sensory and autonomic, type 2A; Generalized epilepsy with febrile seizures plus, type 7. Last evaluated: 2022-03-23. Review status: criteria provided, single submitter. Criteria: Invitae Variant Classification Sherloc (09022015). Collection method: clinical testing. Allele origin: germline.
Comment: In summary, the available evidence is currently insufficient to determine the role of this variant in disease. Therefore, it has been classified as a Variant of Uncertain Significance. This sequence change replaces valine, which is neutral and non-polar, with alanine, which is neutral and non-polar, at codon 124 of the SCN9A protein (p.Val124Ala). The frequency data for this variant in the population databases is considered unreliable, as metrics indicate poor data quality at this position in the gnomAD database. This variant has not been reported in the literature in individuals affected with SCN9A-related conditions. ClinVar contains an entry for this variant (Variation ID: 862659). Algorithms developed to predict the effect of missense changes on protein structure and function (SIFT, PolyPhen-2, Align-GVGD) all suggest that this variant is likely to be tolerated.